The following is an entry in ClinVar:

NC_000015.9:g.(?_80473374)_(80478561_?)del

Gene: FAH (fumarylacetoacetate hydrolase; plus strand). Cytogenetic location: 15q25.1.
Variant type: Deletion.
Identifiers: ClinVar variation 1071696 (VCV001071696.4).

ClinVar aggregate classification (germline): Pathogenic (1 of 4 stars; one submission).

Conditions:
Tyrosinemia type I (TYRSN1). Also called: Tyrosinemia type 1; Fumarylacetoacetase deficiency; Deficiency of fumarylacetoacetase; HEPATORENAL TYROSINEMIA; FAH DEFICIENCY. Identifiers: Orphanet 882, MedGen C0268490, MONDO:0010161, OMIM 276700. Disease mechanism: loss of function.

Submission:

Labcorp Genetics (formerly Invitae), Labcorp
Classification: Pathogenic for Tyrosinemia type I. Last evaluated: 2021-09-25. Review status: criteria provided, single submitter. Criteria: Invitae Variant Classification Sherloc (09022015). Collection method: clinical testing. Allele origin: germline.
Comment: This variant is a gross deletion of the genomic region encompassing exon(s) 13-14 of the FAH gene. The 5' boundary is likely confined to intron 12. The 3' end of this event is unknown as it extends through the termination codon beyond the assayed region for this gene and may encompass additional genes. While this deletion is not anticipated to lead to nonsense mediated decay, it is expected to alter mRNA translation or result in a truncated protein product. This variant has not been reported in the literature in individuals affected with FAH-related conditions. This variant disrupts a region of the FAH protein in which other variant(s) (p.Tyr401*) have been determined to be pathogenic (Invitae). This suggests that this is a clinically significant region of the protein, and that variants that disrupt it are likely to be disease-causing. For these reasons, this variant has been classified as Pathogenic.